The following is an entry in ClinVar:

NM_001376.5(DYNC1H1):c.10096A>G (p.Lys3366Glu)

Gene: DYNC1H1 (dynein cytoplasmic 1 heavy chain 1; plus strand). Cytogenetic location: 14q32.31.
Variant type: single nucleotide variant.
Coding change: c.10096A>G on transcript NM_001376.5 (MANE Select); coding-DNA position 10096, A replaced by G.
Protein change: p.Lys3366Glu; replaces lysine 3366 with glutamic acid.
Molecular consequence: missense variant.
Genome position (GRCh38, 1-based): chr14:102,033,081, A>G. VCF-style: chr14-102033081-A-G. GRCh37 (hg19) VCF-style: chr14-102499418-A-G.
Other names: short protein forms K3366E.
Identifiers: ClinVar variation 2828559 (VCV002828559.3), dbSNP rs2503822826, ClinGen allele CA391021784.

ClinVar aggregate classification (germline): Uncertain significance (1 of 4 stars; one submission).

Conditions:
Charcot-Marie-Tooth disease axonal type 2O. Also called: Charcot-Marie-Tooth disease, axonal, type 20; CHARCOT-MARIE-TOOTH NEUROPATHY, AXONAL, TYPE 2O; CHARCOT-MARIE-TOOTH DISEASE, AXONAL, AUTOSOMAL DOMINANT, TYPE 2O; Charcot-Marie-Tooth Neuropathy Type 2O. Identifiers: Orphanet 284232, MedGen C3280220, MONDO:0013644, OMIM 614228.

Submission:

Labcorp Genetics (formerly Invitae), Labcorp
Classification: Uncertain significance for Charcot-Marie-Tooth disease axonal type 2O. Last evaluated: 2023-01-14. Review status: criteria provided, single submitter. Criteria: Invitae Variant Classification Sherloc (09022015). Collection method: clinical testing. Allele origin: germline.
Comment: In summary, the available evidence is currently insufficient to determine the role of this variant in disease. Therefore, it has been classified as a Variant of Uncertain Significance. Advanced modeling of protein sequence and biophysical properties (such as structural, functional, and spatial information, amino acid conservation, physicochemical variation, residue mobility, and thermodynamic stability) has been performed at Invitae for this missense variant, however the output from this modeling did not meet the statistical confidence thresholds required to predict the impact of this variant on DYNC1H1 protein function. This variant has not been reported in the literature in individuals affected with DYNC1H1-related conditions. This variant is not present in population databases (gnomAD no frequency). This sequence change replaces lysine, which is basic and polar, with glutamic acid, which is acidic and polar, at codon 3366 of the DYNC1H1 protein (p.Lys3366Glu).